The following is an entry in ClinVar:

ClinVar aggregate classification (germline): Likely benign (0 of 4 stars; one submission).

Conditions:
FBN2-related disorder. Also called: FBN2-related condition.

Submission:

PreventionGenetics, part of Exact Sciences
Classification: Likely benign for FBN2-related condition. Last evaluated: 2024-02-28. Review status: no assertion criteria provided. Collection method: clinical testing. Allele origin: germline.
Comment: This variant is classified as likely benign based on ACMG/AMP sequence variant interpretation guidelines (Richards et al. 2015 PMID: 25741868, with internal and published modifications).

NM_001999.4(FBN2):c.8365-8T>A

Gene: FBN2 (fibrillin 2; minus strand). Cytogenetic location: 5q23.3.
Variant type: single nucleotide variant.
Coding change: c.8365-8T>A on transcript NM_001999.4 (MANE Select); 8 bases into the intron before coding-DNA position 8365, T replaced by A.
Molecular consequence: intron variant.
Genome position (GRCh38, 1-based): chr5:128,259,837, A>T on the plus strand (T>A on the coding strand, the complement: FBN2 is on the minus strand). VCF-style: chr5-128259837-A-T. GRCh37 (hg19) VCF-style: chr5-127595529-A-T.
Identifiers: ClinVar variation 3059426 (VCV003059426.2), dbSNP rs2479601347, ClinGen allele CA2740094070.